The following is an entry in ClinVar:

NM_000939.4(POMC):c.499G>T (p.Glu167Ter)

Gene: POMC (proopiomelanocortin; minus strand). Cytogenetic location: 2p23.3.
Variant type: single nucleotide variant.
Coding change: c.499G>T on transcript NM_000939.4 (MANE Select); coding-DNA position 499, G replaced by T.
Protein change: p.Glu167Ter; replaces glutamic acid 167 with a stop codon.
Molecular consequence: nonsense.
Genome position (GRCh38, 1-based): chr2:25,161,386, C>A on the plus strand (G>T on the coding strand, the complement: POMC is on the minus strand). VCF-style: chr2-25161386-C-A. GRCh37 (hg19) VCF-style: chr2-25384255-C-A.
Other names: c.499G>T, p.Glu167Ter (NM_001035256.3, NM_001319204.2, NM_001319205.2); short protein forms E167*.
Identifiers: ClinVar variation 1677671 (VCV001677671.5), dbSNP rs1267957538, ClinGen allele CA346066925.
Genomic context (GRCh38, chr2:25,161,386, plus strand): 5'-CCCGGAGTCGCTGGCCAGTCAGCTCCCTCTTGAACTCCAGGGGGAAGGCCTCGGCCGACT[C>A]GTCCTCGGCGCCGTTAGGGTACACCTTCACTGGGCGCCGCTTCTTGCCCACCGGCTTGCC-3'

ClinVar aggregate classification (germline): Uncertain significance. Review status: criteria provided, multiple submitters, no conflicts (2 of 4 stars). 3 submissions from 3 submitters: Uncertain significance (3). Last evaluated 2026-03-18.

Allele frequency attached by ClinVar (database versions not stated): gnomAD exomes 0.00001 and 0.00002; TOPMed 0.00001.

Submissions (3):

Dasa
Classification: Uncertain significance. Last evaluated: 2026-03-18. Review status: criteria provided, single submitter. Criteria: DASA Assertion Criteria. Collection method: clinical testing. Allele origin: germline.
Comment: NM_000939.4(POMC):c.499G>T (p.Glu167*) is a nonsense variant in POMC predicted to introduce a premature termination codon. This variant is rare in population databases. The currently available literature and clinical evidence are not sufficient to establish a definitive association between this variant and the reported condition. Therefore, this variant is classified as a variant of uncertain significance.

Labcorp Genetics (formerly Invitae), Labcorp
Classification: Uncertain significance. Last evaluated: 2022-03-23. Review status: criteria provided, single submitter. Criteria: Invitae Variant Classification Sherloc (09022015). Collection method: clinical testing. Allele origin: germline.
Comment: This sequence change creates a premature translational stop signal (p.Glu167*) in the POMC gene. While this is not anticipated to result in nonsense mediated decay, it is expected to disrupt the last 101 amino acid(s) of the POMC protein. The frequency data for this variant in the population databases is considered unreliable, as metrics indicate poor data quality at this position in the gnomAD database. This variant has not been reported in the literature in individuals affected with POMC-related conditions. In summary, the available evidence is currently insufficient to determine the role of this variant in disease. Therefore, it has been classified as a Variant of Uncertain Significance.

AiLife Diagnostics
Classification: Uncertain significance. Last evaluated: 2021-12-01. Review status: criteria provided, single submitter. Criteria: ACMG Guidelines, 2015. Collection method: clinical testing. Allele origin: germline. Affected: yes. Observed: 1 variant allele.